The following is an entry in ClinVar:

ClinVar aggregate classification (germline): Likely pathogenic (1 of 4 stars; one submission).

Conditions:
Autosomal recessive limb-girdle muscular dystrophy type 2J (LGMDR10). Also called: Limb-girdle muscular dystrophy, type 2J; MUSCULAR DYSTROPHY, LIMB-GIRDLE, AUTOSOMAL RECESSIVE 10. Identifiers: Orphanet 140922, MedGen C1837342, MONDO:0012127, OMIM 608807.
Dilated cardiomyopathy 1G (CMD1G). Identifiers: Orphanet 154, MedGen C1858763, MONDO:0011400, OMIM 604145.

Submission:

Labcorp Genetics (formerly Invitae), Labcorp
Classification: Likely pathogenic for Dilated cardiomyopathy 1G; Autosomal recessive limb-girdle muscular dystrophy type 2J. Last evaluated: 2025-11-30. Review status: criteria provided, single submitter. Criteria: Invitae Variant Classification Sherloc (09022015). Collection method: clinical testing. Allele origin: germline.
Comment: This sequence change creates a premature translational stop signal (p.Tyr8334*) in the TTN gene. While this is not anticipated to result in nonsense mediated decay, it is expected to create a truncated TTN protein. This variant is not present in population databases (gnomAD no frequency). This variant has not been reported in the literature in individuals affected with TTN-related conditions. Algorithms developed to predict the effect of sequence changes on RNA splicing suggest that this variant may disrupt the consensus splice site. This variant is located in the I band of TTN (PMID: 25589632). Truncating variants in this region have been reported in individuals affected with autosomal recessive centronuclear myopathy (PMID: 23975875, internal data). Truncating variants in this region have also been identified in individuals affected with autosomal dominant dilated cardiomyopathy and/or cardio-related conditions (PMID: 27869827, 32964742, internal data). In summary, the currently available evidence indicates that the variant is pathogenic, but additional data are needed to prove that conclusively. Therefore, this variant has been classified as Likely Pathogenic.

Literature cited by the submitters: PubMed 25589632; PubMed 23975875; PubMed 27869827; PubMed 32964742.

NM_001267550.2(TTN):c.25002T>G (p.Tyr8334Ter)

Gene: TTN (titin; minus strand). Cytogenetic location: 2q31.2.
Variant type: single nucleotide variant.
Coding change: c.25002T>G on transcript NM_001267550.2 (MANE Select); coding-DNA position 25002, T replaced by G.
Protein change: p.Tyr8334Ter; replaces tyrosine 8334 with a stop codon.
Molecular consequence: nonsense. On other transcripts: intron variant (3).
Genome position (GRCh38, 1-based): chr2:178,718,004, A>C on the plus strand (T>G on the coding strand, the complement: TTN is on the minus strand). VCF-style: chr2-178718004-A-C. GRCh37 (hg19) VCF-style: chr2-179582731-A-C.
Other names: c.24051T>G, p.Tyr8017Ter (NM_001256850.1); c.21270T>G, p.Tyr7090Ter (NM_133378.4); c.13282+20078T>G (NM_003319.4); c.13858+20078T>G (NM_133437.4); c.13657+20078T>G (NM_133432.3); short protein forms Y8334*, Y7090*, Y8017*.
Identifiers: ClinVar variation 4786780 (VCV004786780.1).